The following is an entry in ClinVar:

NM_001267550.2(TTN):c.91475A>G (p.Tyr30492Cys)

Genes: TTN-AS1 (TTN antisense RNA 1; plus strand), TTN (titin; minus strand). Cytogenetic location: 2q31.2.
Variant type: single nucleotide variant.
Coding change: c.91475A>G on transcript NM_001267550.2 (MANE Select); coding-DNA position 91475, A replaced by G.
Protein change: p.Tyr30492Cys; replaces tyrosine 30492 with cysteine.
Molecular consequence: missense variant.
Genome position (GRCh38, 1-based): chr2:178,551,056, T>C on the plus strand (A>G on the coding strand, the complement: TTN is on the minus strand). VCF-style: chr2-178551056-T-C. GRCh37 (hg19) VCF-style: chr2-179415783-T-C.
Other names: p.Y28851C:TAT>TGT; c.86552A>G, p.Tyr28851Cys (NM_001256850.1); c.64280A>G, p.Tyr21427Cys (NM_003319.4); c.83771A>G, p.Tyr27924Cys (NM_133378.4); c.64655A>G, p.Tyr21552Cys (NM_133432.3); c.64856A>G, p.Tyr21619Cys (NM_133437.4); short protein forms Y28851C, Y30492C, Y21427C, Y21552C, Y21619C, Y27924C.
Identifiers: ClinVar variation 202985 (VCV000202985.4), dbSNP rs769678577, ClinGen allele CA310893.

ClinVar aggregate classification (germline): Uncertain significance. Review status: criteria provided, multiple submitters, no conflicts (2 of 4 stars). 2 submissions from 2 submitters: Uncertain significance (2). Last evaluated 2018-02-20.

Conditions:
Dilated cardiomyopathy 1G (CMD1G). Identifiers: Orphanet 154, MedGen C1858763, MONDO:0011400, OMIM 604145.
Autosomal recessive limb-girdle muscular dystrophy type 2J (LGMDR10). Also called: MUSCULAR DYSTROPHY, LIMB-GIRDLE, AUTOSOMAL RECESSIVE 10; Limb-girdle muscular dystrophy, type 2J. Identifiers: Orphanet 140922, MedGen C1837342, MONDO:0012127, OMIM 608807.

Allele frequency attached by ClinVar (database versions not stated): gnomAD 0.00001; TOPMed 0.00001; ExAC 0.00002; gnomAD exomes 0.00002.
gnomAD v4.1: 29 of 1,613,318 alleles (0.0018%); highest among the groups gnomAD compares: Admixed American, 0.0033%; no homozygotes.

Submissions (2):

Labcorp Genetics (formerly Invitae), Labcorp
Classification: Uncertain significance for Dilated cardiomyopathy 1G; Autosomal recessive limb-girdle muscular dystrophy type 2J. Last evaluated: 2018-02-20. Review status: criteria provided, single submitter. Criteria: Invitae Variant Classification Sherloc (09022015). Collection method: clinical testing. Allele origin: germline.
Comment: This sequence change replaces tyrosine with cysteine at codon 30492 of the TTN protein (p.Tyr30492Cys). There is a large physicochemical difference between tyrosine and cysteine. This variant is present in population databases (rs769678577, ExAC 0.009%). This variant has not been reported in the literature in individuals with TTN-related disease. ClinVar contains an entry for this variant (Variation ID: 202985). This variant identified in the TTN gene is located in the A band of the resulting protein (PMID: 25589632). It is unclear how this variant impacts the function of this protein.‚Ä®¬†Algorithms developed to predict the effect of missense changes on protein structure and function are unavailable for the TTN gene. Algorithms developed to predict the effect of sequence changes on RNA splicing suggest that this variant may create or strengthen a splice site, but this prediction has not been confirmed by published transcriptional studies. In summary, this variant is a rare missense change with unknown impact on protein function. Missense variants in this region of the TTN gene are typically not causative for cardiac disease, but may be relevant for neuromuscular disorders. However, the available evidence is currently insufficient to determine this variant‚Äôs role in disease. Therefore, it has been classified as a Variant of Uncertain Significance.

GeneDx
Classification: Uncertain significance. Last evaluated: 2013-07-18. Review status: criteria provided, single submitter. Criteria: GeneDx Variant Classification (06012015). Collection method: clinical testing. Allele origin: germline. Affected: yes.
Comment: Missense variants in the TTN gene are considered 'unclassified' if they are not previously reported in the literature and do not have >1% frequency in the population to be considered a polymorphism. Research indicates that truncating mutations in the TTN gene are expected to account for approximately 25% of familial and 18% of sporadic idiopathic DCM; however, truncating variants in the TTN gene have been reported in approximately 3% of reported control alleles. There has been little investigation into non-truncating variants. (Herman D et al. Truncations of titin causing dilated cardiomyopathy. N Eng J Med 366:619-628, 2012) The variant is found in DCM panel(s).

Literature cited by the submitters: PubMed 25589632 (cited by Labcorp Genetics (formerly Invitae), Labcorp).